The following is an entry in ClinVar:

ClinVar aggregate classification (germline): Pathogenic (1 of 4 stars; one submission).

Conditions:
Dilated cardiomyopathy 1O (CMD1O). Also called: CARDIOMYOPATHY, DILATED, WITH VENTRICULAR TACHYCARDIA. Identifiers: Orphanet 154, MedGen C1837839, MONDO:0012062, OMIM 608569.

Submission:

Labcorp Genetics (formerly Invitae), Labcorp
Classification: Pathogenic for Dilated cardiomyopathy 1O. Last evaluated: 2024-10-01. Review status: criteria provided, single submitter. Criteria: Invitae Variant Classification Sherloc (09022015). Collection method: clinical testing. Allele origin: germline.
Comment: This sequence change creates a premature translational stop signal (p.Tyr907*) in the ABCC9 gene. It is expected to result in an absent or disrupted protein product. Loss-of-function variants in ABCC9 are known to be pathogenic (PMID: 31575858, 38217872). This variant is not present in population databases (gnomAD no frequency). This variant has not been reported in the literature in individuals affected with ABCC9-related conditions. ClinVar contains an entry for this variant (Variation ID: 1000443). For these reasons, this variant has been classified as Pathogenic.

Literature cited by the submitters: PubMed 31575858; PubMed 38217872.

NM_020297.4(ABCC9):c.2721T>G (p.Tyr907Ter)

Gene: ABCC9 (ATP binding cassette subfamily C member 9; minus strand). Cytogenetic location: 12p12.1.
Variant type: single nucleotide variant.
Coding change: c.2721T>G on transcript NM_020297.4 (MANE Select); coding-DNA position 2721, T replaced by G.
Protein change: p.Tyr907Ter; replaces tyrosine 907 with a stop codon.
Molecular consequence: nonsense.
Genome position (GRCh38, 1-based): chr12:21,852,145, A>C on the plus strand (T>G on the coding strand, the complement: ABCC9 is on the minus strand). VCF-style: chr12-21852145-A-C. GRCh37 (hg19) VCF-style: chr12-22005079-A-C.
Other names: c.2721T>G, p.Tyr907Ter (NM_001377273.1, NM_005691.4); c.1854T>G, p.Tyr618Ter (NM_001377274.1); short protein forms Y618*, Y907*.
Identifiers: ClinVar variation 1000443 (VCV001000443.6), dbSNP rs1422935645, ClinGen allele CA384123729.